The following is an entry in ClinVar:

NM_000426.4(LAMA2):c.1278T>A (p.Cys426Ter)

Gene: LAMA2 (laminin subunit alpha 2; plus strand). Cytogenetic location: 6q22.33.
Variant type: single nucleotide variant.
Coding change: c.1278T>A on transcript NM_000426.4 (MANE Select); coding-DNA position 1278, T replaced by A.
Protein change: p.Cys426Ter; replaces cysteine 426 with a stop codon.
Molecular consequence: nonsense.
Genome position (GRCh38, 1-based): chr6:129,165,647, T>A. VCF-style: chr6-129165647-T-A. GRCh37 (hg19) VCF-style: chr6-129486792-T-A.
Other names: c.1278T>A, p.Cys426Ter (NM_001079823.2); short protein forms C426*.
Identifiers: ClinVar variation 984068 (VCV000984068.4), dbSNP rs1779703136, ClinGen allele CA365607315.

ClinVar aggregate classification (germline): Likely pathogenic (1 of 4 stars; one submission).

Conditions:
LAMA2-related muscular dystrophy (LAMA2-RD). Also called: Laminin alpha 2-related dystrophy. Identifiers: MedGen C5679788, MONDO:0100228.

Submission:

Myriad Genetics, Inc.
Classification: Likely pathogenic for LAMA2-related muscular dystrophy. Last evaluated: 2020-01-21. Review status: criteria provided, single submitter. Criteria: Myriad Autosomal Dominant, Autosomal Recessive and X-Linked Classification Criteria (2023). Collection method: clinical testing. Allele origin: unknown.
Comment: NM_000426.3(LAMA2):c.1278T>A(C426*) is expected to be pathogenic in the context of LAMA2-related muscular dystrophy. This variant is predicted to lead to an abnormal or absent protein product due to the creation of a premature termination codon in LAMA2, a gene where loss-of-function variants are known to be pathogenic. Please note: this variant was assessed in the context of healthy population screening.